The following is an entry in ClinVar:

NM_015272.5(RPGRIP1L):c.3611G>A (p.Ser1204Asn)

Gene: RPGRIP1L (RPGRIP1 like; minus strand). Cytogenetic location: 16q12.2.
Variant type: single nucleotide variant.
Coding change: c.3611G>A on transcript NM_015272.5 (MANE Select); coding-DNA position 3611, G replaced by A.
Protein change: p.Ser1204Asn; replaces serine 1204 with asparagine.
Molecular consequence: missense variant.
Genome position (GRCh38, 1-based): chr16:53,619,030, C>T on the plus strand (G>A on the coding strand, the complement: RPGRIP1L is on the minus strand). VCF-style: chr16-53619030-C-T. GRCh37 (hg19) VCF-style: chr16-53652942-C-T.
Other names: c.3371G>A, p.Ser1124Asn (NM_001127897.4); c.3473G>A, p.Ser1158Asn (NM_001308334.3); c.3509G>A, p.Ser1170Asn (NM_001330538.2); c.3611G>A (NM_015272.4); short protein forms S1124N, S1158N, S1170N, S1204N.
Identifiers: ClinVar variation 863936 (VCV000863936.5), dbSNP rs746750855, ClinGen allele CA8057253.
Genomic context (GRCh38, chr16:53,619,030, plus strand): 5'-TCATAAATAAAAAAGACAAACATAAAAGTCTATATTACAAATGAATCATACATACCATTG[C>T]TATAGTTATAGTAGACCCACTGCCCACTCTTGGGTTTTGGAAGTGACACGGGTGTCTCTT-3'
Protein context (NP_056087.2, residues 1194-1214): KSGQWVYYNY[Ser1204Asn]NVIYVDKENN

ClinVar aggregate classification (germline): Uncertain significance. Review status: criteria provided, single submitter (1 of 4 stars). 3 submissions from 3 submitters: Uncertain significance (1). 2 of the submissions do not count toward it. Last evaluated 2022-06-22.

Conditions:
RPGRIP1L-related disorder. Also called: RPGRIP1L-related disorders; RPGRIP1L-related condition. Identifiers: MedGen CN239416.
Joubert syndrome. Also called: Familial aplasia of the vermis; JOUBERT-BOLTSHAUSER SYNDROME. Identifiers: Orphanet 475, MedGen C5979921, MONDO:0018772.
Meckel-Gruber syndrome. Also called: DYSENCEPHALIA SPLANCHNOCYSTICA; GRUBER SYNDROME; Dysencephalia splachnocystica. Identifiers: Orphanet 564, MedGen C0265215, MONDO:0018921.

Allele frequency attached by ClinVar (database versions not stated): gnomAD 0.00001; gnomAD exomes 0.00001 and 0.00002; ExAC 0.00001; TOPMed 0.00002.
gnomAD v4.1: 8 of 1,610,796 alleles (0.0005%); highest among the groups gnomAD compares: Admixed American, 0.005%; no homozygotes.

Submissions (3):

Labcorp Genetics (formerly Invitae), Labcorp
Classification: Uncertain significance for Joubert syndrome; Meckel-Gruber syndrome. Last evaluated: 2022-06-22. Review status: criteria provided, single submitter. Criteria: Invitae Variant Classification Sherloc (09022015). Collection method: clinical testing. Allele origin: germline.
Comment: This sequence change replaces serine, which is neutral and polar, with asparagine, which is neutral and polar, at codon 1204 of the RPGRIP1L protein (p.Ser1204Asn). This variant is present in population databases (rs746750855, gnomAD 0.009%). This variant has not been reported in the literature in individuals affected with RPGRIP1L-related conditions. ClinVar contains an entry for this variant (Variation ID: 863936). Algorithms developed to predict the effect of missense changes on protein structure and function are either unavailable or do not agree on the potential impact of this missense change (SIFT: "Deleterious"; PolyPhen-2: "Benign"; Align-GVGD: "Class C0"). In summary, the available evidence is currently insufficient to determine the role of this variant in disease. Therefore, it has been classified as a Variant of Uncertain Significance.

PreventionGenetics, part of Exact Sciences
Classification: Uncertain significance for RPGRIP1L-related condition. Last evaluated: 2024-04-05. Review status: no assertion criteria provided. Collection method: clinical testing. Allele origin: germline. Not counted in ClinVar's aggregate classification.
Comment: The RPGRIP1L c.3611G>A variant is predicted to result in the amino acid substitution p.Ser1204Asn. To our knowledge, this variant has not been reported in the literature. This variant is reported in 0.0087% of alleles in individuals of Latino descent in gnomAD. At this time, the clinical significance of this variant is uncertain due to the absence of conclusive functional and genetic evidence.

Natera, Inc.
Classification: Uncertain significance for Joubert syndrome. Last evaluated: 2021-02-23. Review status: no assertion criteria provided. Collection method: clinical testing. Allele origin: germline. Not counted in ClinVar's aggregate classification.